The following is an entry in ClinVar:

NM_003470.3(USP7):c.1421A>T (p.Asp474Val)

Gene: USP7 (ubiquitin specific peptidase 7; minus strand). Cytogenetic location: 16p13.2.
Variant type: single nucleotide variant.
Coding change: c.1421A>T on transcript NM_003470.3 (MANE Select); coding-DNA position 1421, A replaced by T.
Protein change: p.Asp474Val; replaces aspartic acid 474 with valine.
Molecular consequence: missense variant. On other transcripts: non-coding transcript variant (1).
Genome position (GRCh38, 1-based): chr16:8,906,433, T>A on the plus strand (A>T on the coding strand, the complement: USP7 is on the minus strand). VCF-style: chr16-8906433-T-A. GRCh37 (hg19) VCF-style: chr16-9000290-T-A.
Other names: c.1373A>T, p.Asp458Val (NM_001286457.2); c.1124A>T, p.Asp375Val (NM_001286458.2); c.1247A>T, p.Asp416Val (NM_001321858.2); short protein forms D375V, D416V, D458V, D474V.
Identifiers: ClinVar variation 4535099 (VCV004535099.6).

ClinVar aggregate classification (germline): Uncertain significance (1 of 4 stars; one submission).

Submission:

CeGaT Center for Human Genetics Tuebingen
Classification: Uncertain significance. Last evaluated: 2025-10-01. Review status: criteria provided, single submitter. Criteria: CeGaT Center For Human Genetics Tuebingen Variant Classification Criteria Version 2. Collection method: clinical testing. Allele origin: germline. Affected: yes. Observed: 1 variant allele.
Comment: USP7: PM2